The following is an entry in ClinVar:

NM_052897.4(MBD6):c.2338G>A (p.Gly780Arg)

Gene: MBD6 (methyl-CpG binding domain protein 6; plus strand). Cytogenetic location: 12q13.3.
Variant type: single nucleotide variant.
Coding change: c.2338G>A on transcript NM_052897.4 (MANE Select); coding-DNA position 2338, G replaced by A.
Protein change: p.Gly780Arg; replaces glycine 780 with arginine.
Molecular consequence: missense variant.
Genome position (GRCh38, 1-based): chr12:57,527,949, G>A. VCF-style: chr12-57527949-G-A. GRCh37 (hg19) VCF-style: chr12-57921732-G-A.
Other names: short protein forms G780R.
Identifiers: ClinVar variation 2628819 (VCV002628819.2), dbSNP rs746220579, ClinGen allele CA237787153.

ClinVar aggregate classification (germline): Uncertain significance. Review status: criteria provided, multiple submitters, no conflicts (2 of 4 stars). 2 submissions from 2 submitters: Uncertain significance (2). Last evaluated 2025-05-01.

Conditions:
MBD6-related disorder. Also called: MBD6-related condition.

Submissions (2):

Ambry Genetics
Classification: Uncertain significance. Last evaluated: 2025-05-01. Review status: criteria provided, single submitter. Criteria: Ambry Variant Classification Scheme 2023. Collection method: clinical testing. Allele origin: germline.

PreventionGenetics, part of Exact Sciences
Classification: Uncertain significance for MBD6-related condition. Last evaluated: 2022-12-28. Review status: criteria provided, single submitter. Criteria: ACMG Guidelines, 2015. Collection method: clinical testing. Allele origin: germline.
Comment: The MBD6 c.2338G>A variant is predicted to result in the amino acid substitution p.Gly780Arg. To our knowledge, this variant has not been reported in the literature. This variant is reported in 0.0038% of alleles in individuals of Latino descent in gnomAD. At this time, the clinical significance of this variant is uncertain due to the absence of conclusive functional and genetic evidence.